The following is an entry in ClinVar:

NM_001165963.4(SCN1A):c.4002+2625T>C

Genes: SCN1A (sodium voltage-gated channel alpha subunit 1; minus strand), LOC102724058 (uncharacterized LOC102724058; plus strand). Cytogenetic location: 2q24.3.
Variant type: single nucleotide variant.
Coding change: c.4002+2625T>C on transcript NM_001165963.4 (MANE Select); 2625 bases into the intron after coding-DNA position 4002, T replaced by C.
Molecular consequence: intron variant.
Genome position (GRCh38, 1-based): chr2:166,007,094, A>G on the plus strand (T>C on the coding strand, the complement: SCN1A is on the minus strand). VCF-style: chr2-166007094-A-G. GRCh37 (hg19) VCF-style: chr2-166863604-A-G.
Other names: c.3969+2625T>C (NM_001353949.2, NM_001353950.2, NM_001353951.2 and 2 more transcripts); c.3918+2625T>C (NM_001353958.2, NM_001353957.2, NM_001165964.3); c.4002+2625T>C (NM_001202435.3, NM_001353948.2); c.3966+2625T>C (NM_001353955.2, NM_001353954.2); c.3915+2625T>C (NM_001353960.2); c.1560+2625T>C (NM_001353961.2).
Identifiers: ClinVar variation 3639625 (VCV003639625.2).

ClinVar aggregate classification (germline): Uncertain significance (1 of 4 stars; one submission).

Conditions:
Early-infantile DEE. Also called: Early infantile epileptic encephalopathy; Ohtahara syndrome; Early infantile epileptic encephalopathy with suppression bursts. Identifiers: Orphanet 1934, MedGen C0393706, MONDO:0800491.

Submission:

Labcorp Genetics (formerly Invitae), Labcorp
Classification: Uncertain significance for Early-infantile DEE. Last evaluated: 2024-12-12. Review status: criteria provided, single submitter. Criteria: Invitae Variant Classification Sherloc (09022015). Collection method: clinical testing. Allele origin: germline.
Comment: This sequence change falls in intron 20 of the SCN1A gene. It does not directly change the encoded amino acid sequence of the SCN1A protein. However, this sequence change falls within a region encompassing a cryptic exon in the SCN1A gene, in which variants have been shown to alter splicing (PMID: 30526861, 34107977). This variant is not present in population databases (gnomAD no frequency). This variant has not been reported in the literature in individuals affected with SCN1A-related conditions. Algorithms developed to predict the effect of sequence changes on RNA splicing suggest that this variant is not likely to affect RNA splicing. In summary, the available evidence is currently insufficient to determine the role of this variant in disease. Therefore, it has been classified as a Variant of Uncertain Significance.

Literature cited by the submitters: PubMed 30526861; PubMed 34107977.